The following is an entry in ClinVar:

NM_000051.4(ATM):c.462A>G (p.Lys154=)

Gene: ATM (ATM serine/threonine kinase; plus strand). Cytogenetic location: 11q22.3.
Variant type: single nucleotide variant.
Coding change: c.462A>G on transcript NM_000051.4 (MANE Select); coding-DNA position 462, A replaced by G.
Protein change: p.Lys154=; no amino-acid change (lysine 154 retained).
Molecular consequence: synonymous variant.
Genome position (GRCh38, 1-based): chr11:108,235,800, A>G. VCF-style: chr11-108235800-A-G. GRCh37 (hg19) VCF-style: chr11-108106527-A-G.
Other names: c.462A>G, p.Lys154= (NM_001351834.2).
Identifiers: ClinVar variation 232688 (VCV000232688.18), dbSNP rs876659923, ClinGen allele CA10578957.

ClinVar aggregate classification (germline): Benign/Likely benign. Review status: criteria provided, multiple submitters, no conflicts (2 of 4 stars). 4 submissions from 4 submitters: Benign (1); Likely benign (3). Last evaluated 2026-01-05.

Conditions:
Hereditary cancer-predisposing syndrome. Also called: Hereditary Cancer Syndrome; Neoplastic Syndromes, Hereditary; Tumor predisposition; Hereditary neoplastic syndrome. Identifiers: Orphanet 140162, MedGen C0027672, MeSH D009386, MONDO:0015356.
Familial cancer of breast. Also called: Hereditary breast cancer; hereditary breast carcinoma; BREAST CANCER, FAMILIAL. Identifiers: Orphanet 227535, MedGen C0346153, MONDO:0016419, OMIM 114480. Disease mechanism: loss of function.
Ataxia-telangiectasia syndrome (AT). Also called: Ataxia telangiectasia (A-T); Ataxia-telangiectasia, complementation group E; LOUIS-BAR SYNDROME; Cerebello-oculocutaneous telangiectasia; Immunodeficiency with ataxia telangiectasia; Ataxia-telangiectasia, complementation group D. Identifiers: Orphanet 100, MedGen C0004135, MONDO:0008840, OMIM 208900.

Allele frequency attached by ClinVar (database versions not stated): gnomAD exomes below 0.00001 and 0.00003; TOPMed 0.00001.
gnomAD v4.1: 41 of 1,613,904 alleles (0.0025%); highest among the groups gnomAD compares: Non-Finnish European, 0.0034%; no homozygotes.

Submissions (4):

Labcorp Genetics (formerly Invitae), Labcorp
Classification: Likely benign for Ataxia-telangiectasia syndrome. Last evaluated: 2026-01-05. Review status: criteria provided, single submitter. Criteria: Invitae Variant Classification Sherloc (09022015). Collection method: clinical testing. Allele origin: germline.

Myriad Genetics, Inc.
Classification: Benign for Familial cancer of breast. Last evaluated: 2024-04-19. Review status: criteria provided, single submitter. Criteria: Myriad Autosomal Dominant, Autosomal Recessive and X-Linked Classification Criteria (2023). Collection method: clinical testing. Allele origin: unknown.
Comment: This variant is considered benign. This variant is a silent/synonymous amino acid change and it is not expected to impact splicing.

Color Diagnostics, LLC DBA Color Health
Classification: Likely benign for Hereditary cancer-predisposing syndrome. Last evaluated: 2020-03-16. Review status: criteria provided, single submitter. Criteria: ACMG Guidelines, 2015. Collection method: clinical testing. Allele origin: germline.

Ambry Genetics
Classification: Likely benign for Hereditary cancer-predisposing syndrome. Last evaluated: 2015-06-30. Review status: criteria provided, single submitter. Criteria: Ambry Variant Classification Scheme 2023. Collection method: clinical testing. Allele origin: germline.